The following is an entry in ClinVar:

ClinVar aggregate classification (germline): Likely benign. Review status: criteria provided, single submitter (1 of 4 stars). 2 submissions from 2 submitters: Likely benign (1). 1 of the submissions does not count toward it. Last evaluated 2025-12-30.

Conditions:
NPC1-related disorder. Also called: NPC1-related condition.
Niemann-Pick disease, type C1. Also called: NIEMANN-PICK DISEASE, VARIANT TYPE C1; NEUROVISCERAL STORAGE DISEASE WITH VERTICAL SUPRANUCLEAR OPHTHALMOPLEGIA; NIEMANN-PICK DISEASE WITH CHOLESTEROL ESTERIFICATION BLOCK; NIEMANN-PICK DISEASE WITHOUT SPHINGOMYELINASE DEFICIENCY; NIEMANN-PICK DISEASE, CHRONIC NEURONOPATHIC FORM. Identifiers: Orphanet 646, MedGen C3179455, MONDO:0009757, OMIM 257220.

Submissions (2):

Labcorp Genetics (formerly Invitae), Labcorp
Classification: Likely benign for Niemann-Pick disease, type C1. Last evaluated: 2025-12-30. Review status: criteria provided, single submitter. Criteria: Invitae Variant Classification Sherloc (09022015). Collection method: clinical testing. Allele origin: germline.

PreventionGenetics, part of Exact Sciences
Classification: Likely benign for NPC1-related condition. Last evaluated: 2021-07-19. Review status: no assertion criteria provided. Collection method: clinical testing. Allele origin: germline. Not counted in ClinVar's aggregate classification.
Comment: This variant is classified as likely benign based on ACMG/AMP sequence variant interpretation guidelines (Richards et al. 2015 PMID: 25741868, with internal and published modifications).

NM_000271.5(NPC1):c.1947+15_1947+19dup

Gene: NPC1 (NPC intracellular cholesterol transporter 1; minus strand). Cytogenetic location: 18q11.2.
Variant type: Duplication.
Coding change: c.1947+15_1947+19dup on transcript NM_000271.5 (MANE Select); bases 15 to 19 of the intron after coding-DNA position 1947, 5 bases duplicated (GGTGG; older notation c.1947+15_1947+19dupGGTGG).
Molecular consequence: intron variant.
Genome position (GRCh38, 1-based): chr18:23,544,941-23,544,945, CCACC duplicated on the plus strand (GGTGG on the coding strand, the reverse complement: NPC1 is on the minus strand); duplicating any 5 consecutive bases within chr18:23,544,941-23,544,947 gives the same sequence; the c. name uses the placement nearest the transcript's 3' end. VCF-style (leftmost placement, unchanged base first): chr18-23544940-A-ACCACC. GRCh37 (hg19) VCF-style: chr18-21124904-A-ACCACC.
Other names: c.1947+15_1947+19dup5 (NM_000271.4).
Identifiers: ClinVar variation 1088736 (VCV001088736.11), dbSNP rs1555634596, ClinGen allele CA8913284.